The following is an entry in ClinVar:

NM_015978.3(TNNI3K):c.959A>G (p.Asp320Gly)

Genes: FPGT-TNNI3K (FPGT-TNNI3K readthrough; plus strand), TNNI3K (TNNI3 interacting kinase; plus strand). Cytogenetic location: 1p31.1.
Variant type: single nucleotide variant.
Coding change: c.959A>G on transcript NM_015978.3 (MANE Select); coding-DNA position 959, A replaced by G.
Protein change: p.Asp320Gly; replaces aspartic acid 320 with glycine.
Molecular consequence: missense variant.
Genome position (GRCh38, 1-based): chr1:74,353,292, A>G. VCF-style: chr1-74353292-A-G. GRCh37 (hg19) VCF-style: chr1-74818976-A-G.
Other names: c.1262A>G, p.Asp421Gly (NM_001112808.3, NM_001199327.2); short protein forms D320G, D421G.
Identifiers: ClinVar variation 4762078 (VCV004762078.1).

ClinVar aggregate classification (germline): Uncertain significance (1 of 4 stars; one submission).

gnomAD v4.1: 4 of 1,613,232 alleles (0.00025%); highest among the groups gnomAD compares: African/African-American, 0.0054%; no homozygotes.

Submission:

Labcorp Genetics (formerly Invitae), Labcorp
Classification: Uncertain significance. Last evaluated: 2025-06-10. Review status: criteria provided, single submitter. Criteria: Invitae Variant Classification Sherloc (09022015). Collection method: clinical testing. Allele origin: germline.
Comment: This sequence change replaces aspartic acid, which is acidic and polar, with glycine, which is neutral and non-polar, at codon 320 of the TNNI3K protein (p.Asp320Gly). This variant is present in population databases (rs768358453, gnomAD 0.007%). This variant has not been reported in the literature in individuals affected with TNNI3K-related conditions. Invitae Evidence Modeling of protein sequence and biophysical properties (such as structural, functional, and spatial information, amino acid conservation, physicochemical variation, residue mobility, and thermodynamic stability) indicates that this missense variant is not expected to disrupt TNNI3K protein function with a negative predictive value of 80%. In summary, the available evidence is currently insufficient to determine the role of this variant in disease. Therefore, it has been classified as a Variant of Uncertain Significance.